The following is an entry in ClinVar:

NM_001271.4(CHD2):c.3886-14C>T

Gene: CHD2 (chromodomain helicase DNA binding protein 2; plus strand). Cytogenetic location: 15q26.1.
Variant type: single nucleotide variant.
Coding change: c.3886-14C>T on transcript NM_001271.4 (MANE Select); 14 bases into the intron before coding-DNA position 3886, C replaced by T.
Molecular consequence: intron variant.
Genome position (GRCh38, 1-based): chr15:92,998,485, C>T. VCF-style: chr15-92998485-C-T. GRCh37 (hg19) VCF-style: chr15-93541715-C-T.
Identifiers: ClinVar variation 681605 (VCV000681605.23), dbSNP rs368361932, ClinGen allele CA7748318.

ClinVar aggregate classification (germline): Benign/Likely benign. Review status: criteria provided, multiple submitters, no conflicts (2 of 4 stars). 3 submissions from 3 submitters: Benign (1); Likely benign (2). Last evaluated 2025-12-29.

Conditions:
Developmental and epileptic encephalopathy 94 (DEE94). Also called: Epileptic encephalopathy, childhood-onset; CHD2-Related Neurodevelopmental Disorders. Identifiers: Orphanet 1942, Orphanet 2382, MedGen C3809278, MONDO:0014150, OMIM 615369.

Allele frequency attached by ClinVar (database versions not stated): gnomAD exomes 0.00003 and 0.00006; ExAC 0.00009; ESP Exome Variant Server 0.00031; gnomAD 0.00032 and 0.00038; TOPMed 0.00032.
gnomAD v4.1: 103 of 1,613,562 alleles (0.0064%); highest among the groups gnomAD compares: African/African-American, 0.11%; no homozygotes.

Submissions (3):

Labcorp Genetics (formerly Invitae), Labcorp
Classification: Benign for Developmental and epileptic encephalopathy 94. Last evaluated: 2025-12-29. Review status: criteria provided, single submitter. Criteria: Invitae Variant Classification Sherloc (09022015). Collection method: clinical testing. Allele origin: germline.

CeGaT Center for Human Genetics Tuebingen
Classification: Likely benign. Last evaluated: 2024-09-01. Review status: criteria provided, single submitter. Criteria: CeGaT Center For Human Genetics Tuebingen Variant Classification Criteria Version 2. Collection method: clinical testing. Allele origin: germline. Affected: yes. Observed: 1 variant allele.
Comment: CHD2: BS1

GeneDx
Classification: Likely benign. Last evaluated: 2018-04-06. Review status: criteria provided, single submitter. Criteria: GeneDx Variant Classification (06012015). Collection method: clinical testing. Allele origin: germline. Affected: yes.
Comment: This variant is considered likely benign or benign based on one or more of the following criteria: it is a conservative change, it occurs at a poorly conserved position in the protein, it is predicted to be benign by multiple in silico algorithms, and/or has population frequency not consistent with disease.